The following is an entry in ClinVar:

ClinVar aggregate classification (germline): Uncertain significance (1 of 4 stars; one submission).

Allele frequency attached by ClinVar (database versions not stated): gnomAD exomes below 0.00001; TOPMed below 0.00001; gnomAD 0.00001.
gnomAD v4.1: 2 of 1,614,116 alleles (0.00012%); highest among the groups gnomAD compares: Admixed American, 0.0033%; no homozygotes.

Submission:

Ambry Genetics
Classification: Uncertain significance. Last evaluated: 2022-11-07. Review status: criteria provided, single submitter. Criteria: Ambry Variant Classification Scheme 2023. Collection method: clinical testing. Allele origin: germline.
Comment: The p.T52S variant (also known as c.154A>T), located in coding exon 2 of the IDH1 gene, results from an A to T substitution at nucleotide position 154. The threonine at codon 52 is replaced by serine, an amino acid with similar properties. This amino acid position is conserved. In addition, the in silico prediction for this alteration is inconclusive. Since supporting evidence is limited at this time, the clinical significance of this alteration remains unclear.

NM_005896.4(IDH1):c.154A>T (p.Thr52Ser)

Gene: IDH1 (isocitrate dehydrogenase (NADP(+)) 1; minus strand). Cytogenetic location: 2q34.
Variant type: single nucleotide variant.
Coding change: c.154A>T on transcript NM_005896.4 (MANE Select); coding-DNA position 154, A replaced by T.
Protein change: p.Thr52Ser; replaces threonine 52 with serine.
Molecular consequence: missense variant.
Genome position (GRCh38, 1-based): chr2:208,248,629, T>A on the plus strand (A>T on the coding strand, the complement: IDH1 is on the minus strand). VCF-style: chr2-208248629-T-A. GRCh37 (hg19) VCF-style: chr2-209113353-T-A.
Other names: c.154A>T, p.Thr52Ser (NM_001282386.1, NM_001282387.1); short protein forms T52S.
Identifiers: ClinVar variation 2453219 (VCV002453219.2), dbSNP rs1688067572, ClinGen allele CA350102499.
Genomic context (GRCh38, chr2:208,248,629, plus strand): 5'-TGACGCCAACATTATGCTTCTTTATAGCTTCTGCAGCATCCTTGGTGACTTGGTCGTTGG[T>A]GGCATCACGATTCTCTATGCCTAAATCATAGCTTGAAAGAGAAAAATTAGAAGCAAAGTT-3'
Protein context (NP_005887.2, residues 42-62): YDLGIENRDA[Thr52Ser]NDQVTKDAAE